The following is an entry in ClinVar:

ClinVar aggregate classification (germline): Uncertain significance (1 of 4 stars; one submission).

Conditions:
X-linked myopathy with postural muscle atrophy. Also called: FHL1-Related Emery-Dreifuss Muscular Dystrophy, X-Linked. Identifiers: Orphanet 178461, MedGen C2678055, MONDO:0010401, OMIM 300696.

Submission:

Labcorp Genetics (formerly Invitae), Labcorp
Classification: Uncertain significance for X-linked myopathy with postural muscle atrophy. Last evaluated: 2026-01-28. Review status: criteria provided, single submitter. Criteria: Invitae Variant Classification Sherloc (09022015). Collection method: clinical testing. Allele origin: germline.
Comment: This sequence change replaces valine, which is neutral and non-polar, with methionine, which is neutral and non-polar, at codon 237 of the FHL1 protein (p.Val237Met). This variant is not present in population databases (gnomAD no frequency). This variant has not been reported in the literature in individuals affected with FHL1-related conditions. ClinVar contains an entry for this variant (Variation ID: 2109292). An algorithm developed to predict the effect of missense changes on protein structure and function (PolyPhen-2) suggests that this variant is likely to be disruptive. In summary, the available evidence is currently insufficient to determine the role of this variant in disease. Therefore, it has been classified as a Variant of Uncertain Significance.

NM_001159699.2(FHL1):c.757G>A (p.Val253Met)

Gene: FHL1 (four and a half LIM domains 1; plus strand). Cytogenetic location: Xq26.3.
Variant type: single nucleotide variant.
Coding change: c.757G>A on transcript NM_001159699.2 (MANE Select); coding-DNA position 757, G replaced by A.
Protein change: p.Val253Met; replaces valine 253 with methionine.
Molecular consequence: missense variant. On other transcripts: synonymous variant (6), non-coding transcript variant (1).
Genome position (GRCh38, 1-based): chrX:136,209,891, G>A. VCF-style: chrX-136209891-G-A. GRCh37 (hg19) VCF-style: chrX-135292050-G-A.
Other names: c.709G>A, p.Val237Met (NM_001159700.2, NM_001159704.1, NM_001167819.1 and 4 more transcripts); c.796G>A, p.Val266Met (NM_001159701.2); c.909G>A, p.Val303= (NM_001159702.3, NM_001369326.1, NM_001369327.2 and 1 more transcripts); c.522G>A, p.Val174= (NM_001159703.2); c.570G>A, p.Val190= (NM_001330659.2); short protein forms V237M, V253M, V266M.
Identifiers: ClinVar variation 2109292 (VCV002109292.4), dbSNP rs1298431233, ClinGen allele CA414609630.